The following is an entry in ClinVar:

ClinVar aggregate classification (germline): Pathogenic (0 of 4 stars; one submission).

Submission:

Leiden Open Variation Database
Classification: Pathogenic. Last evaluated: 2021-04-06. Review status: no assertion criteria provided. Collection method: curation. Allele origin: germline. Affected: yes.
Comment: Curator: Global Variome, with Curator vacancy. Submitter to LOVD: Manon Peeters.

Literature cited by the submitters: PubMed 17653047.

NM_000322.5(PRPH2):c.738_741dup (p.Arg248fs)

Gene: PRPH2 (peripherin 2; minus strand). Cytogenetic location: 6p21.1.
Variant type: Duplication.
Coding change: c.738_741dup on transcript NM_000322.5 (MANE Select); coding-DNA positions 738 to 741, 4 bases duplicated (GGTG; older notation c.738_741dupGGTG).
Protein change: p.Arg248fs; shifts the reading frame from arginine 248.
Molecular consequence: frameshift variant.
Genome position (GRCh38, 1-based): chr6:42,704,452-42,704,455, CACC duplicated on the plus strand (GGTG on the coding strand, the reverse complement: PRPH2 is on the minus strand); duplicating any 4 consecutive bases within chr6:42,704,452-42,704,458 gives the same sequence; the c. name uses the placement nearest the transcript's 3' end. VCF-style (leftmost placement, unchanged base first): chr6-42704451-G-GCACC. GRCh37 (hg19) VCF-style: chr6-42672189-G-GCACC.
Other names: short protein forms R248fs.
Identifiers: ClinVar variation 1175272 (VCV001175272.1), dbSNP rs2152005253, ClinGen allele CA2499218268.
Genomic context (GRCh38, chr6:42,704,451, plus strand): 5'-CGACACCCATGGAGTTCATGAGGCTGCTGTAGTAGCTCAGCAGGGCAGCCCTGCAGCCAC[G>GCACC]CACCCACAGGTTGAGCTCCTCCGTCTGGTGGTCGTAACTGTAGTGTGCTGAGTTGTTGGT-3'